The following is an entry in ClinVar:

ClinVar aggregate classification (germline): Uncertain significance. Review status: criteria provided, multiple submitters, no conflicts (2 of 4 stars). 4 submissions from 4 submitters: Uncertain significance (4). Last evaluated 2025-12-01.

Conditions:
Intellectual disability, autosomal dominant 16 (CSS4). Also called: COFFIN-SIRIS SYNDROME 4. Identifiers: Orphanet 1465, MedGen C3553249, MONDO:0013821, OMIM 614609.
Rhabdoid tumor predisposition syndrome 2 (RTPS2). Identifiers: Orphanet 231108, Orphanet 69077, MedGen C2750074, MONDO:0013224, OMIM 613325.
Hereditary cancer-predisposing syndrome. Also called: Hereditary Cancer Syndrome; Neoplastic Syndromes, Hereditary; Tumor predisposition; Hereditary neoplastic syndrome. Identifiers: Orphanet 140162, MedGen C0027672, MeSH D009386, MONDO:0015356.

Allele frequency attached by ClinVar (database versions not stated): gnomAD exomes below 0.00001; ExAC 0.00001.
gnomAD v4.1: 6 of 1,612,766 alleles (0.00037%); highest among the groups gnomAD compares: Middle Eastern, 0.033%; no homozygotes.

Submissions (4):

CeGaT Center for Human Genetics Tuebingen
Classification: Uncertain significance. Last evaluated: 2025-12-01. Review status: criteria provided, single submitter. Criteria: CeGaT Center For Human Genetics Tuebingen Variant Classification Criteria Version 2. Collection method: clinical testing. Allele origin: germline. Affected: yes. Observed: 1 variant allele.

Ambry Genetics
Classification: Uncertain significance for Hereditary cancer-predisposing syndrome. Last evaluated: 2023-09-01. Review status: criteria provided, single submitter. Criteria: Ambry Variant Classification Scheme 2023. Collection method: clinical testing. Allele origin: germline.
Comment: The p.P261H variant (also known as c.782C>A), located in coding exon 4 of the SMARCA4 gene, results from a C to A substitution at nucleotide position 782. The proline at codon 261 is replaced by histidine, an amino acid with similar properties. This amino acid position is well conserved in available vertebrate species. In addition, the in silico prediction for this alteration is inconclusive. Missense and in-frame variants in SMARCA4 are known to cause neurodevelopmental disorders; however, such associations with rhabdoid tumor predisposition syndrome including small cell carcinoma of the ovary-hypercalcemic type (SCCOHT) are exceedingly rare (Kosho T et al. Am J Med Genet C Semin Med Genet. 2014 Sep;166C(3):262-75; Jelinic P et al. Nat Genet. 2014 May;46(5):424-6). Based on the supporting evidence, the association of this alteration with Coffin-Siris syndrome is unknown; however, the association of this alteration with rhabdoid tumor predisposition syndrome is unlikely.

Labcorp Genetics (formerly Invitae), Labcorp
Classification: Uncertain significance for Rhabdoid tumor predisposition syndrome 2. Last evaluated: 2022-09-26. Review status: criteria provided, single submitter. Criteria: Invitae Variant Classification Sherloc (09022015). Collection method: clinical testing. Allele origin: germline.
Comment: This sequence change replaces proline, which is neutral and non-polar, with histidine, which is basic and polar, at codon 261 of the SMARCA4 protein (p.Pro261His). The frequency data for this variant in the population databases is considered unreliable, as metrics indicate poor data quality at this position in the gnomAD database. This variant has not been reported in the literature in individuals affected with SMARCA4-related conditions. ClinVar contains an entry for this variant (Variation ID: 827275). Advanced modeling of protein sequence and biophysical properties (such as structural, functional, and spatial information, amino acid conservation, physicochemical variation, residue mobility, and thermodynamic stability) performed at Invitae indicates that this missense variant is not expected to disrupt SMARCA4 protein function. In summary, the available evidence is currently insufficient to determine the role of this variant in disease. Therefore, it has been classified as a Variant of Uncertain Significance.

Genome-Nilou Lab
Classification: Uncertain significance for Intellectual disability, autosomal dominant 16. Last evaluated: 2021-07-15. Review status: criteria provided, single submitter. Criteria: ACMG Guidelines, 2015. Collection method: clinical testing. Allele origin: germline. Affected: no.

NM_003072.5(SMARCA4):c.782C>A (p.Pro261His)

Gene: SMARCA4 (SWI/SNF related BAF chromatin remodeling complex subunit ATPase 4; plus strand). Cytogenetic location: 19p13.2.
Variant type: single nucleotide variant.
Coding change: c.782C>A on transcript NM_003072.5 (MANE Select); coding-DNA position 782, C replaced by A.
Protein change: p.Pro261His; replaces proline 261 with histidine.
Molecular consequence: missense variant. On other transcripts: non-coding transcript variant (1).
Genome position (GRCh38, 1-based): chr19:10,986,926, C>A. VCF-style: chr19-10986926-C-A. GRCh37 (hg19) VCF-style: chr19-11097602-C-A.
Other names: c.782C>A, p.Pro261His (NM_001128844.3, NM_001128845.2, NM_001128846.2 and 4 more transcripts); short protein forms P261H.
Identifiers: ClinVar variation 827275 (VCV000827275.16), dbSNP rs757327891, ClinGen allele CA9203578.